The following is an entry in ClinVar:

ClinVar aggregate classification (germline): Uncertain significance. Review status: criteria provided, multiple submitters, no conflicts (2 of 4 stars). 2 submissions from 2 submitters: Uncertain significance (2). Last evaluated 2022-08-31.

Allele frequency attached by ClinVar (database versions not stated): gnomAD exomes 0.00002 and 0.00008; ESP Exome Variant Server 0.00008; ExAC 0.00010; TOPMed 0.00014; gnomAD 0.00017 and 0.00021.
gnomAD v4.1: 56 of 1,613,934 alleles (0.0035%); highest among the groups gnomAD compares: East Asian, 0.045%; no homozygotes.

Submissions (2):

Labcorp Genetics (formerly Invitae), Labcorp
Classification: Uncertain significance. Last evaluated: 2022-08-31. Review status: criteria provided, single submitter. Criteria: Invitae Variant Classification Sherloc (09022015). Collection method: clinical testing. Allele origin: germline.
Comment: This sequence change replaces threonine, which is neutral and polar, with methionine, which is neutral and non-polar, at codon 590 of the MYO18B protein (p.Thr590Met). This variant is present in population databases (rs370187232, gnomAD 0.07%). This variant has not been reported in the literature in individuals affected with MYO18B-related conditions. ClinVar contains an entry for this variant (Variation ID: 1398349). Algorithms developed to predict the effect of missense changes on protein structure and function are either unavailable or do not agree on the potential impact of this missense change (SIFT: "Not Available"; PolyPhen-2: "Probably Damaging"; Align-GVGD: "Not Available"). In summary, the available evidence is currently insufficient to determine the role of this variant in disease. Therefore, it has been classified as a Variant of Uncertain Significance.

Blueprint Genetics
Classification: Uncertain significance. Last evaluated: 2021-01-18. Review status: criteria provided, single submitter. Criteria: ACMG Guidelines, 2015. Collection method: clinical testing. Allele origin: germline.

NM_032608.7(MYO18B):c.1769C>T (p.Thr590Met)

Gene: MYO18B (myosin XVIIIB; plus strand). Cytogenetic location: 22q12.1.
Variant type: single nucleotide variant.
Coding change: c.1769C>T on transcript NM_032608.7 (MANE Select); coding-DNA position 1769, C replaced by T.
Protein change: p.Thr590Met; replaces threonine 590 with methionine.
Molecular consequence: missense variant.
Genome position (GRCh38, 1-based): chr22:25,772,410, C>T. VCF-style: chr22-25772410-C-T. GRCh37 (hg19) VCF-style: chr22-26168377-C-T.
Other names: c.1769C>T, p.Thr590Met (NM_001318245.2); short protein forms T590M.
Identifiers: ClinVar variation 1398349 (VCV001398349.6), dbSNP rs370187232, ClinGen allele CA10159947.